The following is an entry in ClinVar:

ClinVar aggregate classification (germline): Pathogenic/Likely pathogenic. Review status: criteria provided, multiple submitters, no conflicts (2 of 4 stars). 2 submissions from 2 submitters: Pathogenic (1); Likely pathogenic (1). Last evaluated 2024-06-05.

Conditions:
Epidermolysis bullosa, junctional 6, with pyloric atresia. Also called: ITGA6-Related Epidermolysis Bullosa with Pyloric Atresia. Identifiers: MedGen C5676957, MONDO:0859233, OMIM 619817.

Submissions (2):

Fulgent Genetics
Classification: Likely pathogenic for Epidermolysis bullosa, junctional 6, with pyloric atresia. Last evaluated: 2024-06-05. Review status: criteria provided, single submitter. Criteria: ACMG Guidelines, 2015. Collection method: clinical testing. Allele origin: germline.

Labcorp Genetics (formerly Invitae), Labcorp
Classification: Pathogenic. Last evaluated: 2024-03-20. Review status: criteria provided, single submitter. Criteria: Invitae Variant Classification Sherloc (09022015). Collection method: clinical testing. Allele origin: germline.
Comment: This sequence change creates a premature translational stop signal (p.Ile409Tyrfs*35) in the ITGA6 gene. It is expected to result in an absent or disrupted protein product. Loss-of-function variants in ITGA6 are known to be pathogenic (PMID: 9158140, 9185503, 9804362, 27607025). This variant is not present in population databases (gnomAD no frequency). This variant has not been reported in the literature in individuals affected with ITGA6-related conditions. For these reasons, this variant has been classified as Pathogenic.

Literature cited by the submitters: PubMed 9158140 (cited by Labcorp Genetics (formerly Invitae), Labcorp); PubMed 9185503 (cited by Labcorp Genetics (formerly Invitae), Labcorp); PubMed 9804362 (cited by Labcorp Genetics (formerly Invitae), Labcorp); PubMed 27607025 (cited by Labcorp Genetics (formerly Invitae), Labcorp).

NM_000210.4(ITGA6):c.1224dup (p.Ile409fs)

Genes: PDK1-AS1 (PDK1 and ITGA6 antisense RNA 1; minus strand), ITGA6 (integrin subunit alpha 6; plus strand). Cytogenetic location: 2q31.1.
Variant type: Duplication.
Coding change: c.1224dup on transcript NM_000210.4 (MANE Select); coding-DNA position 1224, one base duplicated (T; older notation c.1224dupT).
Protein change: p.Ile409fs; shifts the reading frame from isoleucine 409.
Molecular consequence: frameshift variant.
Genome position (GRCh38, 1-based): chr2:172,475,640, T duplicated; the last of 5 consecutive T bases (chr2:172,475,636-172,475,640); duplicating any one gives the same sequence. VCF-style (leftmost placement, unchanged base first): chr2-172475635-G-GT. GRCh37 (hg19) VCF-style: chr2-173340363-G-GT.
Other names: c.1224dup, p.Ile409fs (NM_001079818.3, NM_001365529.2, NM_001365530.2); c.867dup, p.Ile290fs (NM_001316306.2); c.1341dup, p.Ile448fs (NM_001394928.1); short protein forms I290fs, I448fs, I409fs.
Identifiers: ClinVar variation 2980098 (VCV002980098.4), dbSNP rs1312750144, ClinGen allele CA760776933.